The following is an entry in ClinVar:

ClinVar aggregate classification (germline): Uncertain significance. Review status: criteria provided, multiple submitters, no conflicts (2 of 4 stars). 3 submissions from 3 submitters: Uncertain significance (3). Last evaluated 2025-08-21.

Conditions:
Vitamin D hydroxylation-deficient rickets, type 1B. Also called: Rickets due to Defect in Vitamin D 25-hydroxylation; PSEUDOVITAMIN D3 DEFICIENCY RICKETS DUE TO 25-HYDROXYLASE DEFICIENCY; VITAMIN D-DEPENDENT RICKETS, TYPE 1B. Identifiers: Orphanet 289157, MedGen C1838657, MONDO:0010810, OMIM 600081.

Allele frequency attached by ClinVar (database versions not stated): gnomAD 0.00001; ExAC 0.00002.
gnomAD v4.1: 12 of 1,612,958 alleles (0.00074%); highest among the groups gnomAD compares: Admixed American, 0.0067%; no homozygotes.

Submissions (3):

Labcorp Genetics (formerly Invitae), Labcorp
Classification: Uncertain significance. Last evaluated: 2025-08-21. Review status: criteria provided, single submitter. Criteria: Invitae Variant Classification Sherloc (09022015). Collection method: clinical testing. Allele origin: germline.
Comment: This sequence change replaces alanine, which is neutral and non-polar, with glycine, which is neutral and non-polar, at codon 433 of the CYP2R1 protein (p.Ala433Gly). This variant is present in population databases (rs782513949, gnomAD 0.01%). This variant has not been reported in the literature in individuals affected with CYP2R1-related conditions. ClinVar contains an entry for this variant (Variation ID: 2964676). An algorithm developed to predict the effect of missense changes on protein structure and function (PolyPhen-2) suggests that this variant is likely to be tolerated. In summary, the available evidence is currently insufficient to determine the role of this variant in disease. Therefore, it has been classified as a Variant of Uncertain Significance.

Ambry Genetics
Classification: Uncertain significance. Last evaluated: 2025-04-12. Review status: criteria provided, single submitter. Criteria: Ambry Variant Classification Scheme 2023. Collection method: clinical testing. Allele origin: germline.

Fulgent Genetics
Classification: Uncertain significance for Vitamin D hydroxylation-deficient rickets, type 1B. Last evaluated: 2023-12-26. Review status: criteria provided, single submitter. Criteria: ACMG Guidelines, 2015. Collection method: clinical testing. Allele origin: germline.

NM_024514.5(CYP2R1):c.1298C>G (p.Ala433Gly)

Genes: CYP2R1 (cytochrome P450 family 2 subfamily R member 1; minus strand), PDE3B (phosphodiesterase 3B; plus strand). Cytogenetic location: 11p15.2.
Variant type: single nucleotide variant.
Coding change: c.1298C>G on transcript NM_024514.5 (MANE Select); coding-DNA position 1298, C replaced by G.
Protein change: p.Ala433Gly; replaces alanine 433 with glycine.
Molecular consequence: missense variant. On other transcripts: non-coding transcript variant (12).
Genome position (GRCh38, 1-based): chr11:14,879,146, G>C on the plus strand (C>G on the coding strand, the complement: CYP2R1 is on the minus strand). VCF-style: chr11-14879146-G-C. GRCh37 (hg19) VCF-style: chr11-14900692-G-C.
Other names: c.953C>G, p.Ala318Gly (NM_001377214.1, NM_001377215.1, NM_001377216.1 and 5 more transcripts); c.1136C>G, p.Ala379Gly (NM_001377217.1); c.599C>G, p.Ala200Gly (NM_001400562.1, NM_001400563.1, NM_001400564.1 and 1 more transcripts); c.320C>G, p.Ala107Gly (NM_001400566.1); c.1154C>G, p.Ala385Gly (NM_001400567.1); c.1253C>G, p.Ala418Gly (NM_001400568.1); c.1298C>G (NM_024514.4); short protein forms A379G, A418G, A107G, A200G, A318G, A385G, A433G.
Identifiers: ClinVar variation 2964676 (VCV002964676.5), dbSNP rs782513949, ClinGen allele CA5896523.
Genomic context (GRCh38, chr11:14,879,146, plus strand): 5'-AAGTTACGCCCCGTGAAAGTTCTCTTACCTAGGGAAAAAGGAACCAAAGCTTCCTTCTTG[G>C]CAAAATATCCACTGCTGTCCAGAAATCGCTCAGGATGGAACACTTCTGGGTCTCTCCAGT-3'
Protein context (NP_078790.2, residues 423-443): ERFLDSSGYF[Ala433Gly]KKEALVPFSL